The following is an entry in ClinVar:

ClinVar aggregate classification (germline): Uncertain significance (1 of 4 stars; one submission).

Conditions:
Costello syndrome (CSTLO). Also called: FCS SYNDROME; FACIOCUTANEOSKELETAL SYNDROME; HRAS-Related Costello Syndrome. Identifiers: Orphanet 3071, MedGen C0587248, MONDO:0009026, OMIM 218040.

Submission:

Labcorp Genetics (formerly Invitae), Labcorp
Classification: Uncertain significance for Costello syndrome. Last evaluated: 2023-11-22. Review status: criteria provided, single submitter. Criteria: Invitae Variant Classification Sherloc (09022015). Collection method: clinical testing. Allele origin: germline.
Comment: This sequence change replaces asparagine, which is neutral and polar, with serine, which is neutral and polar, at codon 116 of the HRAS protein (p.Asn116Ser). This variant is not present in population databases (gnomAD no frequency). This variant has not been reported in the literature in individuals affected with HRAS-related conditions. An algorithm developed to predict the effect of missense changes on protein structure and function (PolyPhen-2) suggests that this variant is likely to be disruptive. In summary, the available evidence is currently insufficient to determine the role of this variant in disease. Therefore, it has been classified as a Variant of Uncertain Significance.

NM_005343.4(HRAS):c.347A>G (p.Asn116Ser)

Genes: HRAS (HRas proto-oncogene, GTPase; minus strand), LRRC56 (leucine rich repeat containing 56; plus strand). Cytogenetic location: 11p15.5.
Variant type: single nucleotide variant.
Coding change: c.347A>G on transcript NM_005343.4 (MANE Select); coding-DNA position 347, A replaced by G.
Protein change: p.Asn116Ser; replaces asparagine 116 with serine.
Molecular consequence: missense variant.
Genome position (GRCh38, 1-based): chr11:533,556, T>C on the plus strand (A>G on the coding strand, the complement: HRAS is on the minus strand). VCF-style: chr11-533556-T-C. GRCh37 (hg19) VCF-style: chr11-533556-T-C.
Other names: c.347A>G, p.Asn116Ser (NM_176795.5, NM_001130442.3); c.28A>G, p.Thr10Ala (NM_001318054.2); short protein forms T10A, N116S.
Identifiers: ClinVar variation 2961373 (VCV002961373.3), dbSNP rs2133987434, ClinGen allele CA378923462.